The following is an entry in ClinVar:

NM_006516.4(SLC2A1):c.1006C>G (p.Leu336Val)

Gene: SLC2A1 (solute carrier family 2 member 1; minus strand). Cytogenetic location: 1p34.2.
Variant type: single nucleotide variant.
Coding change: c.1006C>G on transcript NM_006516.4 (MANE Select); coding-DNA position 1006, C replaced by G.
Protein change: p.Leu336Val; replaces leucine 336 with valine.
Molecular consequence: missense variant.
Genome position (GRCh38, 1-based): chr1:42,929,000, G>C on the plus strand (C>G on the coding strand, the complement: SLC2A1 is on the minus strand). VCF-style: chr1-42929000-G-C. GRCh37 (hg19) VCF-style: chr1-43394671-G-C.
Other names: short protein forms L336V.
Identifiers: ClinVar variation 198844 (VCV000198844.11), dbSNP rs755946345, ClinGen allele CA018956.

ClinVar aggregate classification (germline): Uncertain significance. Review status: criteria provided, multiple submitters, no conflicts (2 of 4 stars). 9 submissions from 5 submitters: Uncertain significance (9). Last evaluated 2024-02-07.

Conditions:
Hereditary cryohydrocytosis with reduced stomatin. Also called: Stomatin-deficient cryohydrocytosis with neurologic defects; GLUT1 DEFICIENCY SYNDROME WITH PSEUDOHYPERKALEMIA AND HEMOLYSIS. Identifiers: Orphanet 168577, MedGen C1837206, MONDO:0012143, OMIM 608885.
Dystonia 9 (DYT9). Also called: CHOREOATHETOSIS, KINESIGENIC, WITH EPISODIC ATAXIA AND SPASTICITY. Identifiers: Orphanet 53583, MedGen C1832855, MONDO:0010983, OMIM 601042.
Epilepsy, idiopathic generalized, susceptibility to, 12 (EIG12). Identifiers: MedGen C3553859, MONDO:0013919, OMIM 614847.
GLUT1 deficiency syndrome 1, autosomal recessive. Identifiers: MedGen C3149117.
Encephalopathy due to GLUT1 deficiency. Also called: GLUT1 deficiency syndrome 1; De Vivo disease; GLUT1 deficiency syndrome 1, infantile onset, severe; Classic Glucose Transporter Type 1 Deficiency Syndrome; GLUCOSE TRANSPORT DEFECT, BLOOD-BRAIN BARRIER; Glucose transporter protein syndrome. Identifiers: Orphanet 71277, MedGen C4551966, MONDO:0011724, OMIM 606777.
Childhood onset GLUT1 deficiency syndrome 2. Also called: GLUT1 deficiency syndrome 2; PxMD-SLC2A1; Exertion-induced paroxysmal dyskinesia; Paroxysmal exercise-induced dystonia; PAROXYSMAL EXERCISE-INDUCED DYSKINESIA WITH OR WITHOUT EPILEPSY AND/OR HEMOLYTIC ANEMIA; PAROXYSMAL EXERTION-INDUCED DYSTONIA WITH OR WITHOUT EPILEPSY AND/OR HEMOLYTIC ANEMIA. Identifiers: Orphanet 98811, MedGen C1842534, MONDO:0012805, OMIM 612126.

gnomAD v4.1: 1 of 1,613,714 alleles (0.000062%); highest among the groups gnomAD compares: Non-Finnish European, 0.000085%; no homozygotes.

Submissions (9):

Labcorp Genetics (formerly Invitae), Labcorp
Classification: Uncertain significance for GLUT1 deficiency syndrome 1, autosomal recessive. Last evaluated: 2024-02-07. Review status: criteria provided, single submitter. Criteria: Invitae Variant Classification Sherloc (09022015). Collection method: clinical testing. Allele origin: germline.
Comment: This sequence change replaces leucine, which is neutral and non-polar, with valine, which is neutral and non-polar, at codon 336 of the SLC2A1 protein (p.Leu336Val). This variant is not present in population databases (gnomAD no frequency). This missense change has been observed in individual(s) with clinical features of autosomal dominant epilepsy (PMID: 23306390). ClinVar contains an entry for this variant (Variation ID: 198844). Advanced modeling of protein sequence and biophysical properties (such as structural, functional, and spatial information, amino acid conservation, physicochemical variation, residue mobility, and thermodynamic stability) performed at Invitae indicates that this missense variant is expected to disrupt SLC2A1 protein function with a positive predictive value of 95%. In summary, the available evidence is currently insufficient to determine the role of this variant in disease. Therefore, it has been classified as a Variant of Uncertain Significance.

Genome-Nilou Lab
Classification: Uncertain significance for Epilepsy, idiopathic generalized, susceptibility to, 12. Last evaluated: 2023-04-11. Review status: criteria provided, single submitter. Criteria: ACMG Guidelines, 2015. Collection method: clinical testing. Allele origin: germline. Affected: no.

Genome-Nilou Lab
Classification: Uncertain significance for Dystonia 9. Last evaluated: 2023-04-11. Review status: criteria provided, single submitter. Criteria: ACMG Guidelines, 2015. Collection method: clinical testing. Allele origin: germline. Affected: no.

Genome-Nilou Lab
Classification: Uncertain significance for Encephalopathy due to GLUT1 deficiency. Last evaluated: 2023-04-11. Review status: criteria provided, single submitter. Criteria: ACMG Guidelines, 2015. Collection method: clinical testing. Allele origin: germline. Affected: no.

Genome-Nilou Lab
Classification: Uncertain significance for Childhood onset GLUT1 deficiency syndrome 2. Last evaluated: 2023-04-11. Review status: criteria provided, single submitter. Criteria: ACMG Guidelines, 2015. Collection method: clinical testing. Allele origin: germline. Affected: no.

Genome-Nilou Lab
Classification: Uncertain significance for Hereditary cryohydrocytosis with reduced stomatin. Last evaluated: 2023-04-11. Review status: criteria provided, single submitter. Criteria: ACMG Guidelines, 2015. Collection method: clinical testing. Allele origin: germline. Affected: no.

GeneDx
Classification: Uncertain significance. Last evaluated: 2022-07-06. Review status: criteria provided, single submitter. Criteria: GeneDx Variant Classification Process June 2021. Collection method: clinical testing. Allele origin: germline. Affected: yes.
Comment: Reported in a cohort of individuals with epilepsy who underwent panel testing, but familial segregation information and additional clinical information were not included (Butler et al., 2017); Not observed at significant frequency in large population cohorts (gnomAD); In silico analysis supports that this missense variant has a deleterious effect on protein structure/function; This variant is associated with the following publications: (PMID: 29056246, 23306390)

Mayo Clinic Laboratories, Mayo Clinic
Classification: Uncertain significance for Epilepsy, idiopathic generalized, susceptibility to, 12. Last evaluated: 2016-03-31. Review status: criteria provided, single submitter. Criteria: ACMG Guidelines, 2015. Collection method: clinical testing. Allele origin: paternal.

Eurofins Ntd Llc (ga)
Classification: Uncertain significance. Last evaluated: 2014-08-13. Review status: criteria provided, single submitter. Criteria: EGL Classification Definitions 2015. Collection method: clinical testing. Allele origin: germline. Observed: 1 variant allele, 1 heterozygote.

Literature cited by the submitters: PubMed 23306390 (cited by Labcorp Genetics (formerly Invitae), Labcorp).